The following is an entry in ClinVar:

NM_000057.4(BLM):c.2945G>A (p.Arg982Lys)

Gene: BLM (BLM RecQ like helicase; plus strand). Cytogenetic location: 15q26.1.
Variant type: single nucleotide variant.
Coding change: c.2945G>A on transcript NM_000057.4 (MANE Select); coding-DNA position 2945, G replaced by A.
Protein change: p.Arg982Lys; replaces arginine 982 with lysine.
Molecular consequence: missense variant.
Genome position (GRCh38, 1-based): chr15:90,790,770, G>A. VCF-style: chr15-90790770-G-A. GRCh37 (hg19) VCF-style: chr15-91334000-G-A.
Other names: c.2945G>A, p.Arg982Lys (NM_001287246.2, NM_001287247.2); c.1820G>A, p.Arg607Lys (NM_001287248.2); short protein forms R982K, R607K.
Identifiers: ClinVar variation 822340 (VCV000822340.6), dbSNP rs1281589498, ClinGen allele CA393846467.

ClinVar aggregate classification (germline): Uncertain significance. Review status: criteria provided, multiple submitters, no conflicts (2 of 4 stars). 2 submissions from 2 submitters: Uncertain significance (2). Last evaluated 2023-09-27.

Conditions:
Hereditary cancer-predisposing syndrome. Also called: Tumor predisposition; Hereditary Cancer Syndrome; Neoplastic Syndromes, Hereditary; Hereditary neoplastic syndrome. Identifiers: Orphanet 140162, MedGen C0027672, MeSH D009386, MONDO:0015356.
Bloom syndrome (BLM). Also called: Bloom-Torre-Machacek syndrome. Identifiers: Orphanet 125, MedGen C0005859, MONDO:0008876, OMIM 210900.

Allele frequency attached by ClinVar (database versions not stated): gnomAD exomes below 0.00001.
gnomAD v4.1: 1 of 1,614,170 alleles (0.000062%); highest among the groups gnomAD compares: Admixed American, 0.0017%; no homozygotes.

Submissions (2):

Institute of Human Genetics, University of Leipzig Medical Center
Classification: Uncertain significance for Bloom syndrome. Last evaluated: 2023-09-27. Review status: criteria provided, single submitter. Criteria: ACMG Guidelines, 2015. Collection method: clinical testing. Allele origin: unknown. Inheritance: Autosomal recessive inheritance. Affected: yes.
Comment: Criteria applied: PM2_SUP,PP3

Ambry Genetics
Classification: Uncertain significance for Hereditary cancer-predisposing syndrome. Last evaluated: 2023-04-19. Review status: criteria provided, single submitter. Criteria: Ambry Variant Classification Scheme 2023. Collection method: clinical testing. Allele origin: germline.
Comment: The p.R982K variant (also known as c.2945G>A), located in coding exon 14 of the BLM gene, results from a G to A substitution at nucleotide position 2945. The arginine at codon 982 is replaced by lysine, an amino acid with highly similar properties. This amino acid position is highly conserved in available vertebrate species. In addition, this alteration is predicted to be deleterious by in silico analysis. Since supporting evidence is limited at this time, the clinical significance of this alteration remains unclear.